The following is an entry in ClinVar:

NM_003823.4(TNFRSF6B):c.460C>T (p.Pro154Ser)

Genes: RTEL1-TNFRSF6B (RTEL1-TNFRSF6B readthrough (NMD candidate); plus strand), TNFRSF6B (TNF receptor superfamily member 6b; plus strand). Cytogenetic location: 20q13.33.
Variant type: single nucleotide variant.
Coding change: c.460C>T on transcript NM_003823.4 (MANE Select); coding-DNA position 460, C replaced by T.
Protein change: p.Pro154Ser; replaces proline 154 with serine.
Molecular consequence: missense variant. On other transcripts: non-coding transcript variant (1).
Genome position (GRCh38, 1-based): chr20:63,697,363, C>T. VCF-style: chr20-63697363-C-T. GRCh37 (hg19) VCF-style: chr20-62328716-C-T.
Other names: short protein forms P154S.
Identifiers: ClinVar variation 1357026 (VCV001357026.7), dbSNP rs1423654597, ClinGen allele CA409711504.

ClinVar aggregate classification (germline): Uncertain significance. Review status: criteria provided, multiple submitters, no conflicts (2 of 4 stars). 2 submissions from 2 submitters: Uncertain significance (2). Last evaluated 2025-08-22.

Allele frequency attached by ClinVar (database versions not stated): gnomAD exomes below 0.00001.

Submissions (2):

Labcorp Genetics (formerly Invitae), Labcorp
Classification: Uncertain significance. Last evaluated: 2025-08-22. Review status: criteria provided, single submitter. Criteria: Invitae Variant Classification Sherloc (09022015). Collection method: clinical testing. Allele origin: germline.
Comment: This sequence change replaces proline, which is neutral and non-polar, with serine, which is neutral and polar, at codon 154 of the TNFRSF6B protein (p.Pro154Ser). The frequency data for this variant in the population databases is considered unreliable, as metrics indicate poor data quality at this position in the gnomAD database. This variant has not been reported in the literature in individuals affected with TNFRSF6B-related conditions. ClinVar contains an entry for this variant (Variation ID: 1357026). An algorithm developed to predict the effect of missense changes on protein structure and function outputs the following: PolyPhen-2: "Benign". The serine amino acid residue is found in multiple mammalian species, which suggests that this missense change does not adversely affect protein function. In summary, the available evidence is currently insufficient to determine the role of this variant in disease. Therefore, it has been classified as a Variant of Uncertain Significance.

Breakthrough Genomics
Classification: Uncertain significance. Review status: criteria provided, single submitter. Criteria: ACMG Guidelines, 2015. Collection method: not provided. Allele origin: germline. Inheritance: Autosomal dominant inheritance. Affected: yes.